The following is an entry in ClinVar:

NM_001875.5(CPS1):c.2454A>G (p.Pro818=)

Gene: CPS1 (carbamoyl-phosphate synthase 1; plus strand). Cytogenetic location: 2q34.
Variant type: single nucleotide variant.
Coding change: c.2454A>G on transcript NM_001875.5 (MANE Select); coding-DNA position 2454, A replaced by G.
Protein change: p.Pro818=; no amino-acid change (proline 818 retained).
Molecular consequence: synonymous variant. On other transcripts: non-coding transcript variant (2).
Genome position (GRCh38, 1-based): chr2:210,612,179, A>G. VCF-style: chr2-210612179-A-G. GRCh37 (hg19) VCF-style: chr2-211476903-A-G.
Other names: c.2454A>G (LRG_336t1); c.2454A>G, p.Pro818= (NM_001122633.3, NM_001369257.1); c.2487A>G, p.Pro829= (NM_001369256.1).
Identifiers: ClinVar variation 392118 (VCV000392118.14), dbSNP rs765712117, ClinGen allele CA2086642.

ClinVar aggregate classification (germline): Conflicting classifications of pathogenicity. Review status: criteria provided, conflicting classifications (1 of 4 stars). 3 submissions from 3 submitters: Uncertain significance (1); Likely benign (2). Last evaluated 2026-01-27.

Conditions:
Congenital hyperammonemia, type I. Also called: Carbamoyl-phosphate synthase I deficiency; CPS I DEFICIENCY; Carbamoyl phosphate synthetase 1 deficiency; Hyperammonemia due to carbamoyl phosphate synthetase 1 deficiency; CPS 1 deficiency; Carbamyl phosphate synthetase (CPS) deficiency. Identifiers: Orphanet 147, MedGen C4082171, MONDO:0009376, OMIM 237300.

Allele frequency attached by ClinVar (database versions not stated): TOPMed below 0.00001; gnomAD 0.00001; gnomAD exomes 0.00003 and 0.00007; ExAC 0.00005.
gnomAD v4.1: 48 of 1,612,152 alleles (0.003%); highest among the groups gnomAD compares: East Asian, 0.1%; no homozygotes.

Submissions (3):

Labcorp Genetics (formerly Invitae), Labcorp
Classification: Likely benign for Congenital hyperammonemia, type I. Last evaluated: 2026-01-27. Review status: criteria provided, single submitter. Criteria: Invitae Variant Classification Sherloc (09022015). Collection method: clinical testing. Allele origin: germline.

Illumina Laboratory Services, Illumina
Classification: Uncertain significance for Congenital hyperammonemia, type I. Last evaluated: 2018-01-13. Review status: criteria provided, single submitter. Criteria: ICSL Variant Classification Criteria 13 December 2019. Collection method: clinical testing. Allele origin: germline.

GeneDx
Classification: Likely benign. Last evaluated: 2017-01-01. Review status: criteria provided, single submitter. Criteria: GeneDx Variant Classification (06012015). Collection method: clinical testing. Allele origin: germline. Affected: yes.
Comment: This variant is considered likely benign or benign based on one or more of the following criteria: it is a conservative change, it occurs at a poorly conserved position in the protein, it is predicted to be benign by multiple in silico algorithms, and/or has population frequency not consistent with disease.